The following is an entry in ClinVar:

NM_144988.4(ALG14):c.109C>T (p.Leu37Phe)

Genes: ALG14 (ALG14 UDP-N-acetylglucosaminyltransferase subunit; minus strand), LOC129930989 (ATAC-STARR-seq lymphoblastoid active region 1353; plus strand). Cytogenetic location: 1p21.3.
Variant type: single nucleotide variant.
Coding change: c.109C>T on transcript NM_144988.4 (MANE Select); coding-DNA position 109, C replaced by T.
Protein change: p.Leu37Phe; replaces leucine 37 with phenylalanine.
Molecular consequence: missense variant. On other transcripts: non-coding transcript variant (1).
Genome position (GRCh38, 1-based): chr1:95,072,790, G>A on the plus strand (C>T on the coding strand, the complement: ALG14 is on the minus strand). VCF-style: chr1-95072790-G-A. GRCh37 (hg19) VCF-style: chr1-95538346-G-A.
Other names: c.109C>T, p.Leu37Phe (NM_001305242.2); short protein forms L37F.
Identifiers: ClinVar variation 1408192 (VCV001408192.8), dbSNP rs1212603713, ClinGen allele CA341367131.
Genomic context (GRCh38, chr1:95,072,790, plus strand): 5'-CCCAAGTCCGACAGTCGCCTCCTCGATACTTACCGGACCCAGCCACTACCAAGATACTGA[G>A]AGACTCCCGGGGCGTAACGTCCATGGAACGAAGCACTACCCATATTCGCAGGATTAGGAA-3'
Protein context (NP_659425.1, residues 27-47): RSMDVTPRES[Leu37Phe]SILVVAGSGG

ClinVar aggregate classification (germline): Uncertain significance. Review status: criteria provided, multiple submitters, no conflicts (2 of 4 stars). 2 submissions from 2 submitters: Uncertain significance (2). Last evaluated 2024-01-02.

Conditions:
Congenital myasthenic syndrome 15. Also called: Myasthenic syndrome, congenital, 15, without tubular aggregates. Identifiers: Orphanet 353327, Orphanet 590, MedGen C4015596, MONDO:0014542, OMIM 616227.

Allele frequency attached by ClinVar (database versions not stated): gnomAD exomes 0.00001; TOPMed 0.00002.
gnomAD v4.1: 5 of 1,614,188 alleles (0.00031%); highest among the groups gnomAD compares: Admixed American, 0.0017%; no homozygotes.

Submissions (2):

Greenwood Genetic Center Diagnostic Laboratories, Greenwood Genetic Center
Classification: Uncertain significance. Last evaluated: 2024-01-02. Review status: criteria provided, single submitter. Criteria: ACMG Guidelines, 2015. Collection method: clinical testing. Allele origin: germline. Affected: yes.
Comment: PM2, BP4

Labcorp Genetics (formerly Invitae), Labcorp
Classification: Uncertain significance for Congenital myasthenic syndrome 15. Last evaluated: 2021-03-24. Review status: criteria provided, single submitter. Criteria: Invitae Variant Classification Sherloc (09022015). Collection method: clinical testing. Allele origin: germline.
Comment: In summary, the available evidence is currently insufficient to determine the role of this variant in disease. Therefore, it has been classified as a Variant of Uncertain Significance. Algorithms developed to predict the effect of missense changes on protein structure and function (SIFT, PolyPhen-2, Align-GVGD) all suggest that this variant is likely to be tolerated, but these predictions have not been confirmed by published functional studies and their clinical significance is uncertain. This variant has not been reported in the literature in individuals with ALG14-related conditions. This variant is not present in population databases (ExAC no frequency). This sequence change replaces leucine with phenylalanine at codon 37 of the ALG14 protein (p.Leu37Phe). The leucine residue is weakly conserved and there is a small physicochemical difference between leucine and phenylalanine.